The following is an entry in ClinVar:

ClinVar aggregate classification (germline): Uncertain significance (1 of 4 stars; one submission).

Submission:

Labcorp Genetics (formerly Invitae), Labcorp
Classification: Uncertain significance. Last evaluated: 2022-11-15. Review status: criteria provided, single submitter. Criteria: Invitae Variant Classification Sherloc (09022015). Collection method: clinical testing. Allele origin: germline.
Comment: In summary, the available evidence is currently insufficient to determine the role of this variant in disease. Therefore, it has been classified as a Variant of Uncertain Significance. Algorithms developed to predict the effect of missense changes on protein structure and function (SIFT, PolyPhen-2, Align-GVGD) all suggest that this variant is likely to be tolerated. This variant has not been reported in the literature in individuals affected with PRKCSH-related conditions. This variant is not present in population databases (gnomAD no frequency). This sequence change replaces glutamic acid, which is acidic and polar, with glycine, which is neutral and non-polar, at codon 314 of the PRKCSH protein (p.Glu314Gly).

NM_001289104.2(PRKCSH):c.941A>G (p.Glu314Gly)

Gene: PRKCSH (PRKCSH beta subunit of glucosidase II; plus strand). Cytogenetic location: 19p13.2.
Variant type: single nucleotide variant.
Coding change: c.941A>G on transcript NM_001289104.2 (MANE Select); coding-DNA position 941, A replaced by G.
Protein change: p.Glu314Gly; replaces glutamic acid 314 with glycine.
Molecular consequence: missense variant.
Genome position (GRCh38, 1-based): chr19:11,447,530, A>G. VCF-style: chr19-11447530-A-G. GRCh37 (hg19) VCF-style: chr19-11558345-A-G.
Other names: c.941A>G, p.Glu314Gly (NM_001001329.3, NM_001289102.2, NM_001289103.2 and 3 more transcripts); short protein forms E314G.
Identifiers: ClinVar variation 1909841 (VCV001909841.5), dbSNP rs2512536829, ClinGen allele CA404135944.
Genomic context (GRCh38, chr19:11,447,530, plus strand): 5'-CCCCTGACTTGACGGAGCCCAAGGAGGAGCAGCCGCCAGTGCCCTCGTCGCCCACAGAGG[A>G]GGAGGAGGAGGAGGAGGAGGAGGAGGAAGAAGAGGCTGAAGAAGAGGAGGAGGAGGAGGA-3'
Protein context (NP_001276033.1, residues 304-324): QPPVPSSPTE[Glu314Gly]EEEEEEEEEE